The following is an entry in ClinVar:

ClinVar aggregate classification (germline): Uncertain significance (1 of 4 stars; one submission).

Submission:

GeneDx
Classification: Uncertain significance. Last evaluated: 2024-07-30. Review status: criteria provided, single submitter. Criteria: GeneDx Variant Classification Process June 2021. Collection method: clinical testing. Allele origin: germline.
Comment: Not observed at significant frequency in large population cohorts (gnomAD); In silico analysis supports that this missense variant has a deleterious effect on protein structure/function; Has not been previously published as pathogenic or benign to our knowledge

NM_004519.4(KCNQ3):c.1040C>T (p.Pro347Leu)

Gene: KCNQ3 (potassium voltage-gated channel subfamily Q member 3; minus strand). Cytogenetic location: 8q24.22.
Variant type: single nucleotide variant.
Coding change: c.1040C>T on transcript NM_004519.4 (MANE Select); coding-DNA position 1040, C replaced by T.
Protein change: p.Pro347Leu; replaces proline 347 with leucine.
Molecular consequence: missense variant.
Genome position (GRCh38, 1-based): chr8:132,174,243, G>A on the plus strand (C>T on the coding strand, the complement: KCNQ3 is on the minus strand). VCF-style: chr8-132174243-G-A. GRCh37 (hg19) VCF-style: chr8-133186490-G-A.
Other names: c.680C>T, p.Pro227Leu (NM_001204824.2); short protein forms P227L, P347L.
Identifiers: ClinVar variation 1697976 (VCV001697976.3), dbSNP rs2130128031, ClinGen allele CA372290048.